The following is an entry in ClinVar:

ClinVar aggregate classification (germline): Pathogenic/Likely pathogenic. Review status: criteria provided, multiple submitters, no conflicts (2 of 4 stars). 4 submissions from 4 submitters: Pathogenic (3); Likely pathogenic (1). Last evaluated 2026-01-06.

Conditions:
Autosomal recessive limb-girdle muscular dystrophy type 2L (LGMDR12). Also called: Limb-girdle muscular dystrophy, type 2L; MUSCULAR DYSTROPHY, LIMB-GIRDLE, AUTOSOMAL RECESSIVE 12; Limb-Girdle Muscular Dystrophy R12 Anoctamin-5-Related (LGMD-R12). Identifiers: Orphanet 206549, MedGen C1969785, MONDO:0012652, OMIM 611307.
Gnathodiaphyseal dysplasia (GDD). Also called: GNATHODIAPHYSEAL SCLEROSIS; OSTEOGENESIS IMPERFECTA WITH UNUSUAL SKELETAL LESIONS. Identifiers: Orphanet 53697, MedGen C1833736, MONDO:0008151, OMIM 166260.

Allele frequency attached by ClinVar (database versions not stated): gnomAD exomes below 0.00001 and 0.00002; gnomAD 0.00012 and 0.00013; TOPMed 0.00012.
gnomAD v4.1: 25 of 1,613,940 alleles (0.0015%); highest among the groups gnomAD compares: Admixed American, 0.037%; no homozygotes.

Submissions (4):

Women's Health and Genetics/Laboratory Corporation of America, LabCorp
Classification: Pathogenic for Autosomal recessive limb-girdle muscular dystrophy type 2L. Last evaluated: 2026-01-06. Review status: criteria provided, single submitter. Criteria: LabCorp Variant Classification Summary - May 2015. Collection method: clinical testing. Allele origin: germline.
Comment: Variant summary: ANO5 c.1960C>T (p.Arg654X) results in a premature termination codon, predicted to cause a truncation of the encoded protein or absence of the protein due to nonsense mediated decay, which are commonly known mechanisms for disease. The variant allele was found at a frequency of 2.4e-05 in 251448 control chromosomes. c.1960C>T has been observed in individual(s) affected with ANO5-related muscle disease (e.g. de Bruyn_2023). To our knowledge, no experimental evidence demonstrating an impact on protein function has been reported. The following publication has been ascertained in the context of this evaluation (PMID: 36913258). ClinVar contains an entry for this variant (Variation ID: 596648). Based on the evidence outlined above, the variant was classified as pathogenic.

Labcorp Genetics (formerly Invitae), Labcorp
Classification: Pathogenic for Autosomal recessive limb-girdle muscular dystrophy type 2L; Gnathodiaphyseal dysplasia. Last evaluated: 2025-04-03. Review status: criteria provided, single submitter. Criteria: Invitae Variant Classification Sherloc (09022015). Collection method: clinical testing. Allele origin: germline.
Comment: This sequence change creates a premature translational stop signal (p.Arg654*) in the ANO5 gene. It is expected to result in an absent or disrupted protein product. Loss-of-function variants in ANO5 are known to be pathogenic (PMID: 21186264, 23606453, 25891276, 30919934). This variant is present in population databases (no rsID available, gnomAD 0.01%). This variant has not been reported in the literature in individuals affected with ANO5-related conditions. ClinVar contains an entry for this variant (Variation ID: 596648). For these reasons, this variant has been classified as Pathogenic.

GeneDx
Classification: Likely pathogenic. Last evaluated: 2024-12-05. Review status: criteria provided, single submitter. Criteria: GeneDx Variant Classification Process June 2021. Collection method: clinical testing. Allele origin: germline. Affected: yes.
Comment: Reported in association with ANO5-related muscular dystrophy in published literature (PMID: 36913258); Nonsense variant predicted to result in protein truncation or nonsense mediated decay in a gene for which loss of function is a known mechanism of disease; Not observed at significant frequency in large population cohorts (gnomAD); This variant is associated with the following publications: (PMID: 36913258)

Eurofins Ntd Llc (ga)
Classification: Pathogenic. Last evaluated: 2018-03-29. Review status: criteria provided, single submitter. Criteria: EGL ClinVar v180209 classification definitions. Collection method: clinical testing. Allele origin: germline. Observed: 1 variant allele, 1 heterozygote.

Literature cited by the submitters: PubMed 36913258 (cited by Women's Health and Genetics/Laboratory Corporation of America, LabCorp); PubMed 21186264 (cited by Labcorp Genetics (formerly Invitae), Labcorp); PubMed 23606453 (cited by Labcorp Genetics (formerly Invitae), Labcorp); PubMed 25891276 (cited by Labcorp Genetics (formerly Invitae), Labcorp); PubMed 30919934 (cited by Labcorp Genetics (formerly Invitae), Labcorp).

NM_213599.3(ANO5):c.1960C>T (p.Arg654Ter)

Gene: ANO5 (anoctamin 5; plus strand). Cytogenetic location: 11p14.3.
Variant type: single nucleotide variant.
Coding change: c.1960C>T on transcript NM_213599.3 (MANE Select); coding-DNA position 1960, C replaced by T.
Protein change: p.Arg654Ter; replaces arginine 654 with a stop codon.
Molecular consequence: nonsense.
Genome position (GRCh38, 1-based): chr11:22,270,373, C>T. VCF-style: chr11-22270373-C-T. GRCh37 (hg19) VCF-style: chr11-22291919-C-T.
Other names: c.1957C>T, p.Arg653Ter (NM_001142649.2); c.1960C>T (NM_213599.2); short protein forms R654*, R653*.
Identifiers: ClinVar variation 596648 (VCV000596648.12), dbSNP rs1488095558, ClinGen allele CA379923354.